The following is an entry in ClinVar:

NM_000138.5(FBN1):c.3798T>C (p.Tyr1266=)

Gene: FBN1 (fibrillin 1; minus strand). Cytogenetic location: 15q21.1.
Variant type: single nucleotide variant.
Coding change: c.3798T>C on transcript NM_000138.5 (MANE Select); coding-DNA position 3798, T replaced by C.
Protein change: p.Tyr1266=; no amino-acid change (tyrosine 1266 retained).
Molecular consequence: synonymous variant.
Genome position (GRCh38, 1-based): chr15:48,483,858, A>G on the plus strand (T>C on the coding strand, the complement: FBN1 is on the minus strand). VCF-style: chr15-48483858-A-G. GRCh37 (hg19) VCF-style: chr15-48776055-A-G.
Identifiers: ClinVar variation 919704 (VCV000919704.13), dbSNP rs112987543, ClinGen allele CA051539.

ClinVar aggregate classification (germline): Benign/Likely benign. Review status: criteria provided, multiple submitters, no conflicts (2 of 4 stars). 5 submissions from 5 submitters: Benign (2); Likely benign (3). Last evaluated 2025-11-24.

Conditions:
Familial thoracic aortic aneurysm and aortic dissection (TAAD). Also called: Thoracic aortic aneurysms and dissections. Identifiers: Orphanet 91387, MedGen C4707243, MONDO:0019625.
Marfan syndrome (MFS). Also called: Marfan syndrome, classic; Marfan syndrome type 1; Marfan's syndrome; FBN1-Related Marfan Syndrome; MARFAN SYNDROME, TYPE I. Identifiers: Orphanet 284963, Orphanet 558, MedGen C0024796, MONDO:0007947, OMIM 154700.

Allele frequency attached by ClinVar (database versions not stated): gnomAD exomes 0.00012 and 0.00002; ExAC 0.00010; TOPMed 0.00003.
gnomAD v4.1: 30 of 1,613,852 alleles (0.0019%); highest among the groups gnomAD compares: Admixed American, 0.048%; no homozygotes.

Submissions (5):

Labcorp Genetics (formerly Invitae), Labcorp
Classification: Benign for Marfan syndrome; Familial thoracic aortic aneurysm and aortic dissection. Last evaluated: 2025-11-24. Review status: criteria provided, single submitter. Criteria: Invitae Variant Classification Sherloc (09022015). Collection method: clinical testing. Allele origin: germline.

Women's Health and Genetics/Laboratory Corporation of America, LabCorp
Classification: Benign. Last evaluated: 2024-06-24. Review status: criteria provided, single submitter. Criteria: LabCorp Variant Classification Summary - May 2015. Collection method: clinical testing. Allele origin: germline.

All of Us Research Program, National Institutes of Health
Classification: Likely benign for Marfan syndrome. Last evaluated: 2024-02-05. Review status: criteria provided, single submitter. Criteria: ACMG Guidelines, 2015. Collection method: clinical testing. Allele origin: germline. Inheritance: Autosomal dominant inheritance. Observed: 3 variant alleles, 3 heterozygotes.
Comment: This study involves interpretation of variants in research participants for the purpose of population health screening. Participant phenotype was not available at the time of variant classification. Additional details can be found in publication PMID: 35346344, PMCID: PMC8962531

Ambry Genetics
Classification: Likely benign for Familial thoracic aortic aneurysm and aortic dissection. Last evaluated: 2022-02-14. Review status: criteria provided, single submitter. Criteria: Ambry Variant Classification Scheme 2023. Collection method: clinical testing. Allele origin: germline.

Color Diagnostics, LLC DBA Color Health
Classification: Likely benign for Familial thoracic aortic aneurysm and aortic dissection. Last evaluated: 2019-08-02. Review status: criteria provided, single submitter. Criteria: ACMG Guidelines, 2015. Collection method: clinical testing. Allele origin: germline.